The following is an entry in ClinVar:

NM_024529.5(CDC73):c.981A>C (p.Ala327=)

Gene: CDC73 (cell division cycle 73; plus strand). Cytogenetic location: 1q31.2.
Variant type: single nucleotide variant.
Coding change: c.981A>C on transcript NM_024529.5 (MANE Select); coding-DNA position 981, A replaced by C.
Protein change: p.Ala327=; no amino-acid change (alanine 327 retained).
Molecular consequence: synonymous variant.
Genome position (GRCh38, 1-based): chr1:193,203,803, A>C. VCF-style: chr1-193203803-A-C. GRCh37 (hg19) VCF-style: chr1-193172933-A-C.
Identifiers: ClinVar variation 1768296 (VCV001768296.9), dbSNP rs1263863175, ClinGen allele CA422491618.

ClinVar aggregate classification (germline): Likely benign. Review status: criteria provided, multiple submitters, no conflicts (2 of 4 stars). 3 submissions from 3 submitters: Likely benign (2). 1 of the submissions does not count toward it. Last evaluated 2023-05-11.

Conditions:
Parathyroid carcinoma (PRTC). Also called: CDC73-Related Parathyroid Carcinoma; Parathyroid gland carcinoma. Identifiers: Orphanet 143, MedGen C0687150, MONDO:0012004, OMIM 608266, HP:0006780.
Hereditary cancer-predisposing syndrome. Also called: Hereditary neoplastic syndrome; Neoplastic Syndromes, Hereditary; Tumor predisposition; Hereditary Cancer Syndrome. Identifiers: Orphanet 140162, MedGen C0027672, MeSH D009386, MONDO:0015356.
CDC73-related disorder. Also called: CDC73-related condition; CDC73-related disorders. Identifiers: MedGen CN169292.

gnomAD v4.1: 1 of 1,612,660 alleles (0.000062%); highest among the groups gnomAD compares: Non-Finnish European, 0.000085%; no homozygotes.

Submissions (3):

Labcorp Genetics (formerly Invitae), Labcorp
Classification: Likely benign for Parathyroid carcinoma. Last evaluated: 2023-05-11. Review status: criteria provided, single submitter. Criteria: Invitae Variant Classification Sherloc (09022015). Collection method: clinical testing. Allele origin: germline.

Ambry Genetics
Classification: Likely benign for Hereditary cancer-predisposing syndrome. Last evaluated: 2021-04-14. Review status: criteria provided, single submitter. Criteria: Ambry Variant Classification Scheme 2023. Collection method: clinical testing. Allele origin: germline.

PreventionGenetics, part of Exact Sciences
Classification: Likely benign for CDC73-related condition. Last evaluated: 2021-12-06. Review status: no assertion criteria provided. Collection method: clinical testing. Allele origin: germline. Not counted in ClinVar's aggregate classification.
Comment: This variant is classified as likely benign based on ACMG/AMP sequence variant interpretation guidelines (Richards et al. 2015 PMID: 25741868, with internal and published modifications).